The following is an entry in ClinVar:

ClinVar aggregate classification (germline): Uncertain significance (1 of 4 stars; one submission).

Submission:

Institute for Human Genetics, University Hospital Essen
Classification: Uncertain significance. Last evaluated: 2005-03-05. Review status: criteria provided, single submitter. Criteria: ACMG Guidelines, 2015. Collection method: clinical testing. Allele origin: de novo. Affected: yes.
Comment: PM2_supp, PS2

NR_002754.3(RNU5E-1):n.23C>A

Gene: RNU5E-1 (RNA, U5E small nuclear 1; plus strand). Cytogenetic location: 1p36.22.
Variant type: single nucleotide variant.
Genome position: GRCh38 VCF-style: chr1-11908174-C-A. GRCh37 (hg19) VCF-style: chr1-11968231-C-A.
Identifiers: ClinVar variation 3770165 (VCV003770165.1).